The following is an entry in ClinVar:

NM_017999.5(RNF31):c.136G>T (p.Ala46Ser)

Gene: RNF31 (ring finger protein 31; plus strand). Cytogenetic location: 14q12.
Variant type: single nucleotide variant.
Coding change: c.136G>T on transcript NM_017999.5 (MANE Select); coding-DNA position 136, G replaced by T.
Protein change: p.Ala46Ser; replaces alanine 46 with serine.
Molecular consequence: missense variant. On other transcripts: intron variant (1).
Genome position (GRCh38, 1-based): chr14:24,147,834, G>T. VCF-style: chr14-24147834-G-T. GRCh37 (hg19) VCF-style: chr14-24617043-G-T.
Other names: c.-325-142G>T (NM_001310332.2); short protein forms A46S.
Identifiers: ClinVar variation 2814166 (VCV002814166.3), dbSNP rs1414195747, ClinGen allele CA389284336.

ClinVar aggregate classification (germline): Uncertain significance (1 of 4 stars; one submission).

Submission:

Labcorp Genetics (formerly Invitae), Labcorp
Classification: Uncertain significance. Last evaluated: 2023-07-28. Review status: criteria provided, single submitter. Criteria: Invitae Variant Classification Sherloc (09022015). Collection method: clinical testing. Allele origin: germline.
Comment: Algorithms developed to predict the effect of missense changes on protein structure and function output the following: SIFT: "Not Available"; PolyPhen-2: "Benign"; Align-GVGD: "Not Available". The serine amino acid residue is found in multiple mammalian species, which suggests that this missense change does not adversely affect protein function. In summary, the available evidence is currently insufficient to determine the role of this variant in disease. Therefore, it has been classified as a Variant of Uncertain Significance. This variant has not been reported in the literature in individuals affected with RNF31-related conditions. This variant is not present in population databases (gnomAD no frequency). This sequence change replaces alanine, which is neutral and non-polar, with serine, which is neutral and polar, at codon 46 of the RNF31 protein (p.Ala46Ser).